The following is an entry in ClinVar:

ClinVar aggregate classification (germline): Uncertain significance (1 of 4 stars; one submission).

gnomAD v4.1: 2 of 1,613,452 alleles (0.00012%); highest among the groups gnomAD compares: East Asian, 0.0022%; no homozygotes.

Submission:

Greenwood Genetic Center Diagnostic Laboratories, Greenwood Genetic Center
Classification: Uncertain significance. Last evaluated: 2026-04-14. Review status: criteria provided, single submitter. Criteria: ACMG Guidelines, 2015. Collection method: clinical testing. Allele origin: germline.
Comment: PM1, PM2

NM_014055.4(IFT81):c.278G>A (p.Gly93Glu)

Gene: IFT81 (intraflagellar transport 81; plus strand). Cytogenetic location: 12q24.11.
Variant type: single nucleotide variant.
Coding change: c.278G>A on transcript NM_014055.4 (MANE Select); coding-DNA position 278, G replaced by A.
Protein change: p.Gly93Glu; replaces glycine 93 with glutamic acid.
Molecular consequence: missense variant. On other transcripts: 5 prime UTR variant (2), non-coding transcript variant (4).
Genome position (GRCh38, 1-based): chr12:110,128,979, G>A. VCF-style: chr12-110128979-G-A. GRCh37 (hg19) VCF-style: chr12-110566784-G-A.
Other names: c.278G>A, p.Gly93Glu (NM_001143779.2, NM_001347946.2, NM_031473.4); c.-489G>A (NM_001347947.2, NM_001347948.2); short protein forms G93E.
Identifiers: ClinVar variation 4891225 (VCV004891225.1).